The following is an entry in ClinVar:

NM_000368.5(TSC1):c.568C>A (p.Arg190Ser)

Gene: TSC1 (TSC complex subunit 1; minus strand). Cytogenetic location: 9q34.13.
Variant type: single nucleotide variant.
Coding change: c.568C>A on transcript NM_000368.5 (MANE Select); coding-DNA position 568, C replaced by A.
Protein change: p.Arg190Ser; replaces arginine 190 with serine.
Molecular consequence: missense variant.
Genome position (GRCh38, 1-based): chr9:132,921,914, G>T on the plus strand (C>A on the coding strand, the complement: TSC1 is on the minus strand). VCF-style: chr9-132921914-G-T. GRCh37 (hg19) VCF-style: chr9-135797301-G-T.
Other names: c.568C>A, p.Arg190Ser (NM_001162426.2, NM_001406592.1, NM_001406593.1 and 16 more transcripts); c.415C>A, p.Arg139Ser (NM_001162427.2, NM_001406610.1, NM_001406611.1 and 2 more transcripts); c.205C>A, p.Arg69Ser (NM_001362177.2, NM_001406614.1, NM_001406615.1 and 10 more transcripts); c.-310C>A (NM_001406626.1, NM_001406627.1, NM_001406628.1); c.-452C>A (NM_001406629.1); c.-526C>A (NM_001406630.1); short protein forms R139S, R190S, R69S.
Identifiers: ClinVar variation 2010745 (VCV002010745.4), dbSNP rs118203400, ClinGen allele CA375372683.

ClinVar aggregate classification (germline): Uncertain significance (1 of 4 stars; one submission).

Conditions:
Tuberous sclerosis 1 (TSC1). Identifiers: Orphanet 805, MedGen C1854465, MONDO:0008612, OMIM 191100.

Submission:

Labcorp Genetics (formerly Invitae), Labcorp
Classification: Uncertain significance for Tuberous sclerosis 1. Last evaluated: 2025-05-25. Review status: criteria provided, single submitter. Criteria: Invitae Variant Classification Sherloc (09022015). Collection method: clinical testing. Allele origin: germline.
Comment: This sequence change replaces arginine, which is basic and polar, with serine, which is neutral and polar, at codon 190 of the TSC1 protein (p.Arg190Ser). This variant is not present in population databases (gnomAD no frequency). This variant has not been reported in the literature in individuals affected with TSC1-related conditions. ClinVar contains an entry for this variant (Variation ID: 2010745). Invitae Evidence Modeling of protein sequence and biophysical properties (such as structural, functional, and spatial information, amino acid conservation, physicochemical variation, residue mobility, and thermodynamic stability) has been performed for this missense variant. However, the output from this modeling did not meet the statistical confidence thresholds required to predict the impact of this variant on TSC1 protein function. Algorithms developed to predict the effect of sequence changes on RNA splicing suggest that this variant may create or strengthen a splice site. In summary, the available evidence is currently insufficient to determine the role of this variant in disease. Therefore, it has been classified as a Variant of Uncertain Significance.